The following is an entry in ClinVar:

ClinVar aggregate classification (germline): Uncertain significance (1 of 4 stars; one submission).

Conditions:
EGFR-related lung cancer (EGFR). Identifiers: MedGen CN130014.

Submission:

Labcorp Genetics (formerly Invitae), Labcorp
Classification: Uncertain significance for EGFR-related lung cancer. Last evaluated: 2024-08-05. Review status: criteria provided, single submitter. Criteria: Invitae Variant Classification Sherloc (09022015). Collection method: clinical testing. Allele origin: germline.
Comment: This sequence change replaces arginine, which is basic and polar, with methionine, which is neutral and non-polar, at codon 681 of the EGFR protein (p.Arg681Met). This variant is not present in population databases (gnomAD no frequency). This variant has not been reported in the literature in individuals affected with EGFR-related conditions. Advanced modeling of protein sequence and biophysical properties (such as structural, functional, and spatial information, amino acid conservation, physicochemical variation, residue mobility, and thermodynamic stability) performed at Invitae indicates that this missense variant is not expected to disrupt EGFR protein function with a negative predictive value of 80%. In summary, the available evidence is currently insufficient to determine the role of this variant in disease. Therefore, it has been classified as a Variant of Uncertain Significance.

NM_005228.5(EGFR):c.2042G>T (p.Arg681Met)

Gene: EGFR (epidermal growth factor receptor; plus strand). Cytogenetic location: 7p11.2.
Variant type: single nucleotide variant.
Coding change: c.2042G>T on transcript NM_005228.5 (MANE Select); coding-DNA position 2042, G replaced by T.
Protein change: p.Arg681Met; replaces arginine 681 with methionine.
Molecular consequence: missense variant.
Genome position (GRCh38, 1-based): chr7:55,173,105, G>T. VCF-style: chr7-55173105-G-T. GRCh37 (hg19) VCF-style: chr7-55240798-G-T.
Other names: c.1907G>T, p.Arg636Met (NM_001346897.2, NM_001346899.2); c.2042G>T, p.Arg681Met (NM_001346898.2); c.1883G>T, p.Arg628Met (NM_001346900.2); c.1241G>T, p.Arg414Met (NM_001346941.2); short protein forms R628M, R636M, R681M, R414M.
Identifiers: ClinVar variation 3658578 (VCV003658578.2).